The following is an entry in ClinVar:

NM_000264.5(PTCH1):c.109_114del (p.Gly37_Gly38del)

Genes: PTCH1 (patched 1; minus strand), LOC130002133 (ATAC-STARR-seq lymphoblastoid silent region 20071; plus strand). Cytogenetic location: 9q22.32.
Variant type: Deletion.
Coding change: c.109_114del on transcript NM_000264.5 (MANE Select); coding-DNA positions 109 to 114, 6 bases deleted (GGGGGG; older notation c.109_114delGGGGGG).
Protein change: p.Gly37_Gly38del.
Molecular consequence: inframe deletion. On other transcripts: inframe indel (1), non-coding transcript variant (1), intron variant (3).
Genome position (GRCh38, 1-based): chr9:95,508,248-95,508,253, CCCCCC deleted on the plus strand (GGGGGG on the coding strand, the reverse complement: PTCH1 is on the minus strand); deleting any 6 consecutive bases within chr9:95,508,248-95,508,254 gives the same sequence; the c. name uses the placement nearest the transcript's 3' end. VCF-style (leftmost placement, unchanged base first): chr9-95508247-GCCCCCC-G. GRCh37 (hg19) VCF-style: chr9-98270529-GCCCCCC-G.
Other names: c.109_114delGGGGGG (NM_000264.3); c.109_114del, p.Gly37_Gly38del (NM_001354918.2); c.199-1654_199-1649del (NM_001083603.3); c.4-1654_4-1649del (NM_001083602.3, NM_001354919.2).
Identifiers: ClinVar variation 3311125 (VCV003311125.1).

ClinVar aggregate classification (germline): Uncertain significance (1 of 4 stars; one submission).

Conditions:
Hereditary cancer-predisposing syndrome. Also called: Neoplastic Syndromes, Hereditary; Tumor predisposition; Hereditary neoplastic syndrome; Hereditary Cancer Syndrome. Identifiers: Orphanet 140162, MedGen C0027672, MeSH D009386, MONDO:0015356.

Submission:

Ambry Genetics
Classification: Uncertain significance for Hereditary cancer-predisposing syndrome. Last evaluated: 2024-06-04. Review status: criteria provided, single submitter. Criteria: Ambry Variant Classification Scheme 2023. Collection method: clinical testing. Allele origin: germline.
Comment: The c.109_114delGGGGGG variant (also known as p.G37_G38del) is located in coding exon 1 of the PTCH1 gene. This variant results from an in-frame GGGGGG deletion at nucleotide positions 109 to 114. This results in the in-frame deletion of two glycine residues at codons 37 to 38. These amino acid positions are not well conserved in available vertebrate species. In addition, this alteration is predicted to be neutral by in silico analysis (Choi Y et al. PLoS ONE. 2012; 7(10):e46688). Based on the available evidence, the clinical significance of this variant remains unclear.